The following is an entry in ClinVar:

NM_001081.4(CUBN):c.2673C>T (p.Cys891=)

Gene: CUBN (cubilin; minus strand). Cytogenetic location: 10p13.
Variant type: single nucleotide variant.
Coding change: c.2673C>T on transcript NM_001081.4 (MANE Select); coding-DNA position 2673, C replaced by T.
Protein change: p.Cys891=; no amino-acid change (cysteine 891 retained).
Molecular consequence: synonymous variant.
Genome position (GRCh38, 1-based): chr10:17,068,723, G>A on the plus strand (C>T on the coding strand, the complement: CUBN is on the minus strand). VCF-style: chr10-17068723-G-A. GRCh37 (hg19) VCF-style: chr10-17110722-G-A.
Identifiers: ClinVar variation 879198 (VCV000879198.38), dbSNP rs386833778, ClinGen allele CA5424902.
Genomic context (GRCh38, chr10:17,068,723, plus strand): 5'-CACGAATGTGACATAAAGAAAATTGTACACAGATGTTATAAATGAAGGTATGTCTGTACC[G>A]CAATACTTTTTATTTTCAGGAGAACCCAAAATGGAACTGCTACCAATCTAAAATTAGAGA-3'
Protein context (NP_001072.2, residues 881-901): ILGSPENKKY[Cys891=]GTDIPSFITS

ClinVar aggregate classification (germline): Conflicting classifications of pathogenicity. Review status: criteria provided, conflicting classifications (1 of 4 stars). 6 submissions from 6 submitters: Uncertain significance (1); Likely benign (4). 1 of the submissions does not count toward it. Last evaluated 2026-04-24.

Conditions:
Imerslund-Grasbeck syndrome type 1 (IGS1). Also called: MEGALOBLASTIC ANEMIA, 1; Megaloblastic anemia 1, Finnish type; Imerslund-Gräsbeck syndrome 1. Identifiers: MedGen C4016819, MONDO:0100156, OMIM 261100.
Imerslund-Grasbeck syndrome. Also called: Megaloblastic anemia due to inborn errors of metabolism; PERNICIOUS ANEMIA, JUVENILE, DUE TO SELECTIVE INTESTINAL MALABSORPTION OF VITAMIN B12, WITH PROTEINURIA; Imerslund-Gräsbeck syndrome; ENTEROCYTE COBALAMIN MALABSORPTION; ENTEROCYTE INTRINSIC FACTOR RECEPTOR, DEFECT OF. Identifiers: Orphanet 35858, MedGen C4551825, MONDO:0009853.
CUBN-related disorder. Also called: CUBN-related condition.

Allele frequency attached by ClinVar (database versions not stated): ESP Exome Variant Server 0.00023.
gnomAD v4.1: 387 of 1,611,818 alleles (0.024%); highest among the groups gnomAD compares: Non-Finnish European, 0.028%; 1 homozygote.

Submissions (6):

Women's Health and Genetics/Laboratory Corporation of America, LabCorp
Classification: Likely benign. Last evaluated: 2026-04-24. Review status: criteria provided, single submitter. Criteria: LabCorp Variant Classification Summary - May 2015. Collection method: clinical testing. Allele origin: germline.

Labcorp Genetics (formerly Invitae), Labcorp
Classification: Likely benign for Imerslund-Grasbeck syndrome. Last evaluated: 2025-10-29. Review status: criteria provided, single submitter. Criteria: Invitae Variant Classification Sherloc (09022015). Collection method: clinical testing. Allele origin: germline.

Blueprint Genetics
Classification: Likely benign. Last evaluated: 2024-09-05. Review status: criteria provided, single submitter. Criteria: ACMG Guidelines, 2015. Collection method: clinical testing. Allele origin: germline.

CeGaT Center for Human Genetics Tuebingen
Classification: Likely benign. Last evaluated: 2023-09-01. Review status: criteria provided, single submitter. Criteria: CeGaT Center For Human Genetics Tuebingen Variant Classification Criteria Version 2. Collection method: clinical testing. Allele origin: germline. Affected: yes. Observed: 1 variant allele.
Comment: CUBN: BP4

Illumina Laboratory Services, Illumina
Classification: Uncertain significance for Imerslund-Grasbeck syndrome type 1. Last evaluated: 2017-04-27. Review status: criteria provided, single submitter. Criteria: ICSL Variant Classification Criteria 13 December 2019. Collection method: clinical testing. Allele origin: germline.
Comment: This variant was observed as part of a predisposition screen in an ostensibly healthy population. A literature search was performed for the gene, cDNA change, and amino acid change (where applicable). Publications were found based on this search. However, the evidence from the literature, in combination with allele frequency data from public databases where available, was not sufficient to rule this variant in or out of causing disease. Therefore, this variant is classified as a variant of unknown significance.

PreventionGenetics, part of Exact Sciences
Classification: Likely benign for CUBN-related condition. Last evaluated: 2020-01-02. Review status: no assertion criteria provided. Collection method: clinical testing. Allele origin: germline. Not counted in ClinVar's aggregate classification.
Comment: This variant is classified as likely benign based on ACMG/AMP sequence variant interpretation guidelines (Richards et al. 2015 PMID: 25741868, with internal and published modifications).

Literature cited by the submitters: PubMed 22929189 (cited by Illumina Laboratory Services, Illumina).